The following is an entry in ClinVar:

NM_024577.4(SH3TC2):c.1868_1869del (p.Gly623fs)

Gene: SH3TC2 (SH3 domain and tetratricopeptide repeats 2; minus strand). Cytogenetic location: 5q32.
Variant type: Deletion.
Coding change: c.1868_1869del on transcript NM_024577.4 (MANE Select); coding-DNA positions 1868 to 1869, 2 bases deleted (GG; older notation c.1868_1869delGG).
Protein change: p.Gly623fs; shifts the reading frame from glycine 623.
Molecular consequence: frameshift variant.
Genome position (GRCh38, 1-based): chr5:149,027,863-149,027,864, CC deleted on the plus strand (GG on the coding strand, the reverse complement: SH3TC2 is on the minus strand); deleting any 2 consecutive bases within chr5:149,027,863-149,027,866 gives the same sequence; the c. name uses the placement nearest the transcript's 3' end. VCF-style (leftmost placement, unchanged base first): chr5-149027862-TCC-T. GRCh37 (hg19) VCF-style: chr5-148407425-TCC-T.
Other names: c.1868_1869delGG (NM_024577.3); short protein forms G623fs.
Identifiers: ClinVar variation 476892 (VCV000476892.6), dbSNP rs1554121691, ClinGen allele CA658657554.
Genomic context (GRCh38, chr5:149,027,862, plus strand): 5'-GGAGCAAGCGGATGGCCAGAAAGCAGGCCCTGGCCTCCAGCGGGCTGCTGCCCACCACAA[TCC>T]CCTGGCGCAGCACGTAGGCCACCACGTCGAGTTCATGCTTGGCACTAGACTCACGGTCAG-3'

ClinVar aggregate classification (germline): Pathogenic (1 of 4 stars; one submission).

Conditions:
Charcot-Marie-Tooth disease type 4. Also called: Charcot-Marie-Tooth, Type 4; Charcot-Marie-Tooth disease, type IV. Identifiers: Orphanet 64749, MedGen C4082197, MONDO:0018995.

Submission:

Labcorp Genetics (formerly Invitae), Labcorp
Classification: Pathogenic for Charcot-Marie-Tooth disease type 4. Last evaluated: 2017-02-15. Review status: criteria provided, single submitter. Criteria: Invitae Variant Classification Sherloc (09022015). Collection method: clinical testing. Allele origin: germline.
Comment: For these reasons, this variant has been classified as Pathogenic. While this particular variant has not been reported in the literature, loss-of-function variants in SH3TC2 are known to be pathogenic (PMID: 14574644). This sequence change deletes 2 nucleotides from exon 11 of the SH3TC2 mRNA (c.1868_1869delGG), causing a frameshift at codon 623. This creates a premature translational stop signal (p.Gly623Aspfs*47) and is expected to result in an absent or disrupted protein product.

Literature cited by the submitters: PubMed 14574644.